The following is an entry in ClinVar:

ClinVar aggregate classification (germline): Pathogenic (1 of 4 stars; one submission).

Conditions:
Deficiency of alpha-mannosidase (MANSA). Also called: LYSOSOMAL ALPHA-D-MANNOSIDASE DEFICIENCY; Mannosidosis, alpha-, types I and II; Alpha-Mannosidosis. Identifiers: Orphanet 61, MedGen C0024748, MONDO:0009561, OMIM 248500.

Submission:

Labcorp Genetics (formerly Invitae), Labcorp
Classification: Pathogenic for Deficiency of alpha-mannosidase. Last evaluated: 2021-08-18. Review status: criteria provided, single submitter. Criteria: Invitae Variant Classification Sherloc (09022015). Collection method: clinical testing. Allele origin: germline.
Comment: For these reasons, this variant has been classified as Pathogenic. Algorithms developed to predict the effect of sequence changes on RNA splicing suggest that this variant may disrupt the consensus splice site. This variant has not been reported in the literature in individuals affected with MAN2B1-related conditions. This variant is not present in population databases (ExAC no frequency). This sequence change creates a premature translational stop signal (Splice site) in the MAN2B1 gene. It is expected to result in an absent or disrupted protein product. Loss-of-function variants in MAN2B1 are known to be pathogenic (PMID: 9915946, 22161967).

Literature cited by the submitters: PubMed 9915946; PubMed 22161967.

NM_000528.4(MAN2B1):c.627_630+1dup

Gene: MAN2B1 (mannosidase alpha class 2B member 1; minus strand). Cytogenetic location: 19p13.13.
Variant type: Duplication.
Coding change: c.627_630+1dup on transcript NM_000528.4 (MANE Select); coding-DNA position 627 through the canonical splice donor site of the intron after coding-DNA position 630, 5 bases duplicated (GCAGG; older notation c.627_630+1dupGCAGG).
Molecular consequence: splice donor variant.
Genome position (GRCh38, 1-based): chr19:12,664,791-12,664,795, CCTGC duplicated on the plus strand (GCAGG on the coding strand, the reverse complement: MAN2B1 is on the minus strand). VCF-style (leftmost placement, unchanged base first): chr19-12664790-A-ACCTGC. GRCh37 (hg19) VCF-style: chr19-12775604-A-ACCTGC.
Other names: c.627_630+1dup (NM_001173498.2).
Identifiers: ClinVar variation 1457345 (VCV001457345.6), dbSNP rs2145286437, ClinGen allele CA2573156080.